The following is an entry in ClinVar:

ClinVar aggregate classification (germline): Uncertain significance (1 of 4 stars; one submission).

Allele frequency attached by ClinVar (database versions not stated): gnomAD exomes below 0.00001.
gnomAD v4.1: 1 of 1,613,758 alleles (0.000062%); highest among the groups gnomAD compares: African/African-American, 0.0013%; no homozygotes.

Submission:

Labcorp Genetics (formerly Invitae), Labcorp
Classification: Uncertain significance. Last evaluated: 2022-10-23. Review status: criteria provided, single submitter. Criteria: Invitae Variant Classification Sherloc (09022015). Collection method: clinical testing. Allele origin: germline.
Comment: In summary, the available evidence is currently insufficient to determine the role of this variant in disease. Therefore, it has been classified as a Variant of Uncertain Significance. Advanced modeling of protein sequence and biophysical properties (such as structural, functional, and spatial information, amino acid conservation, physicochemical variation, residue mobility, and thermodynamic stability) performed at Invitae indicates that this missense variant is not expected to disrupt IHH protein function. This variant has not been reported in the literature in individuals affected with IHH-related conditions. This variant is not present in population databases (gnomAD no frequency). This sequence change replaces alanine, which is neutral and non-polar, with valine, which is neutral and non-polar, at codon 231 of the IHH protein (p.Ala231Val).

NM_002181.4(IHH):c.692C>T (p.Ala231Val)

Gene: IHH (Indian hedgehog signaling molecule; minus strand). Cytogenetic location: 2q35.
Variant type: single nucleotide variant.
Coding change: c.692C>T on transcript NM_002181.4 (MANE Select); coding-DNA position 692, C replaced by T.
Protein change: p.Ala231Val; replaces alanine 231 with valine.
Molecular consequence: missense variant.
Genome position (GRCh38, 1-based): chr2:219,055,751, G>A on the plus strand (C>T on the coding strand, the complement: IHH is on the minus strand). VCF-style: chr2-219055751-G-A. GRCh37 (hg19) VCF-style: chr2-219920473-G-A.
Other names: short protein forms A231V.
Identifiers: ClinVar variation 1970441 (VCV001970441.5), dbSNP rs1948824950, ClinGen allele CA350632921.
Genomic context (GRCh38, chr2:219,055,751, plus strand): 5'-GGCTCGCGGTCCAGGAAAATGAGCACATCGCTGAAGGTGGGGCTCCCATCCTCCCCCATG[G>A]CCAGCACACGGTCTCCCGGCCTCACGGCTGACAAGGCCACACGCGCCCCACTCTCCAGGC-3'
Protein context (NP_002172.2, residues 221-241): SAVRPGDRVL[Ala231Val]MGEDGSPTFS